The following is an entry in ClinVar:

NM_000090.4(COL3A1):c.2392-3_2395del

Genes: COL3A1 (collagen type III alpha 1 chain; plus strand), LOC126806446 (P300/CBP strongly-dependent group 1 enhancer GRCh37_chr2:189866210-189867409; plus strand). Cytogenetic location: 2q32.2.
Variant type: Deletion.
Coding change: c.2392-3_2395del on transcript NM_000090.4 (MANE Select); 3 bases into the intron before coding-DNA position 2392 through coding-DNA position 2395, 7 bases deleted (CAGGGTG; older notation c.2392-3_2395delCAGGGTG).
Molecular consequence: splice acceptor variant.
Genome position (GRCh38, 1-based): chr2:189,002,295-189,002,301, CAGGGTG deleted. VCF-style (leftmost placement, unchanged base first): chr2-189002294-TCAGGGTG-T. GRCh37 (hg19) VCF-style: chr2-189867020-TCAGGGTG-T.
Identifiers: ClinVar variation 580085 (VCV000580085.7), dbSNP rs1559059873, ClinGen allele CA891842763.

ClinVar aggregate classification (germline): Pathogenic (1 of 4 stars; one submission).

Conditions:
Ehlers-Danlos syndrome, type 4 (EDSVASC). Also called: Ehlers-Danlos syndrome vascular type; Ehlers Danlos syndrome, ecchymotic type; Ehlers Danlos syndrome, arterial type; Ehlers Danlos syndrome, Sack-Barabas type; Ehlers-Danlos Syndrome Type IV. Identifiers: Orphanet 286, MedGen C0268338, MONDO:0017314, OMIM 130050.

Submission:

Labcorp Genetics (formerly Invitae), Labcorp
Classification: Pathogenic for Ehlers-Danlos syndrome, type 4. Last evaluated: 2021-02-23. Review status: criteria provided, single submitter. Criteria: Invitae Variant Classification Sherloc (09022015). Collection method: clinical testing. Allele origin: germline.
Comment: Algorithms developed to predict the effect of sequence changes on RNA splicing suggest that this variant may disrupt the consensus splice site, but this prediction has not been confirmed by published transcriptional studies. This variant results in the deletion of part of exon 35 (c.2392-3_2395del) of the COL3A1 gene. It is expected to disrupt RNA splicing. Variants that disrupt the donor or acceptor splice site typically lead to a loss of protein function (PMID: 16199547), and loss-of-function variants in COL3A1 are known to be pathogenic (PMID: 24922459). This variant is not present in population databases (ExAC no frequency). This variant has not been reported in the literature in individuals with COL3A1-related conditions. ClinVar contains an entry for this variant (Variation ID: 580085). This variant disrupts the triple helix domain of COL3A1. Glycine residues within the Gly-Xaa-Yaa repeats of the triple helix domain are required for the structure and stability of fibrillar collagens (PMID: 7695699, 8218237, 19344236). In COL3A1, variants that affect these glycine residues are significantly enriched in individuals with disease (PMID: 24922459, 25758994) compared to the general population (ExAC). For these reasons, this variant has been classified as Pathogenic.

Literature cited by the submitters: PubMed 16199547; PubMed 24922459; PubMed 7695699; PubMed 8218237; PubMed 19344236; PubMed 25758994.